The following is an entry in ClinVar:

ClinVar aggregate classification (germline): Uncertain significance (1 of 4 stars; one submission).

Allele frequency attached by ClinVar (database versions not stated): gnomAD exomes below 0.00001; ExAC 0.00001; gnomAD 0.00001; TOPMed 0.00001.
gnomAD v4.1: 3 of 1,612,150 alleles (0.00019%); highest among the groups gnomAD compares: African/African-American, 0.004%; no homozygotes.

Submission:

GeneDx
Classification: Uncertain significance. Last evaluated: 2022-01-31. Review status: criteria provided, single submitter. Criteria: GeneDx Variant Classification Process June 2021. Collection method: clinical testing. Allele origin: germline. Affected: yes.
Comment: Not observed at significant frequency in large population cohorts (gnomAD); In silico analysis supports that this missense variant has a deleterious effect on protein structure/function; Has not been previously published as pathogenic or benign to our knowledge

NM_020442.6(VARS2):c.1487A>G (p.Glu496Gly)

Gene: VARS2 (valyl-tRNA synthetase 2, mitochondrial; plus strand). Cytogenetic location: 6p21.33.
Variant type: single nucleotide variant.
Coding change: c.1487A>G on transcript NM_020442.6 (MANE Select); coding-DNA position 1487, A replaced by G.
Protein change: p.Glu496Gly; replaces glutamic acid 496 with glycine.
Molecular consequence: missense variant.
Genome position (GRCh38, 1-based): chr6:30,921,072, A>G. VCF-style: chr6-30921072-A-G. GRCh37 (hg19) VCF-style: chr6-30888849-A-G.
Other names: c.1067A>G, p.Glu356Gly (NM_001167733.3); c.1577A>G, p.Glu526Gly (NM_001167734.2); short protein forms E356G, E496G, E526G.
Identifiers: ClinVar variation 1699586 (VCV001699586.2), dbSNP rs752647168, ClinGen allele CA3705934.
Genomic context (GRCh38, chr6:30,921,072, plus strand): 5'-AGGTGCGGCCGTGCAGGAAGGGCAACATTGTCTAAAGTCCCCTTTCTCTCCAGGCTGTGG[A>G]GTCGGGGGCCCTGGAGCTCAGTCCCTCCTTCCACCAGAAGAACTGGCAGCACTGGTTTTC-3'
Protein context (NP_065175.4, residues 486-506): EMGARAAKAV[Glu496Gly]SGALELSPSF